The following is an entry in ClinVar:

NM_014140.4(SMARCAL1):c.1931G>A (p.Arg644Gln)

Gene: SMARCAL1 (SNF2 related chromatin remodeling annealing helicase 1; plus strand). Cytogenetic location: 2q35.
Variant type: single nucleotide variant.
Coding change: c.1931G>A on transcript NM_014140.4 (MANE Select); coding-DNA position 1931, G replaced by A.
Protein change: p.Arg644Gln; replaces arginine 644 with glutamine.
Molecular consequence: missense variant.
Genome position (GRCh38, 1-based): chr2:216,450,925, G>A. VCF-style: chr2-216450925-G-A. GRCh37 (hg19) VCF-style: chr2-217315648-G-A.
Other names: c.1931G>A, p.Arg644Gln (NM_001127207.2); c.1931G>A (NM_014140.3); short protein forms R644Q.
Identifiers: ClinVar variation 1457631 (VCV001457631.8), dbSNP rs140515579, ClinGen allele CA2098053.

ClinVar aggregate classification (germline): Pathogenic/Likely pathogenic. Review status: criteria provided, multiple submitters, no conflicts (2 of 4 stars). 2 submissions from 2 submitters: Pathogenic (1); Likely pathogenic (1). Last evaluated 2024-12-22.

Conditions:
Schimke immuno-osseous dysplasia (SIOD). Also called: Schimke Immunoosseous Dysplasia. Identifiers: Orphanet 1830, MedGen C0877024, MONDO:0009458, OMIM 242900.

Allele frequency attached by ClinVar (database versions not stated): gnomAD exomes below 0.00001 and 0.00002; gnomAD 0.00001; TOPMed 0.00001; ExAC 0.00002; ESP Exome Variant Server 0.00015.
gnomAD v4.1: 7 of 1,614,088 alleles (0.00043%); highest among the groups gnomAD compares: African/African-American, 0.0027%; no homozygotes.

Submissions (2):

Natera, Inc.
Classification: Likely pathogenic for Schimke immuno-osseous dysplasia. Last evaluated: 2024-12-22. Review status: criteria provided, single submitter. Criteria: Natera Variant Classification Schema (03/2026). Collection method: clinical testing. Allele origin: germline.
Comment: The c.1931G>A variant in SMARCAL1 is a missense variant predicted to cause substitution of arginine to glutamine at amino acid 644. This variant is rare in the general population with a frequency below the threshold expected for the associated phenotype(s). This variant has been observed in one or more individuals affected with the associated recessive disease, as either homozygous or compound heterozygous with a second variant (PMID: 28796785, 31039288). A different variant at the same position has been determined to be Pathogenic or Likely Pathogenic. Computational prediction algorithms indicate this variant is likely to affect gene or protein function. Given the available evidence, this variant is classified as Likely Pathogenic.

Labcorp Genetics (formerly Invitae), Labcorp
Classification: Pathogenic for Schimke immuno-osseous dysplasia. Last evaluated: 2023-11-28. Review status: criteria provided, single submitter. Criteria: Invitae Variant Classification Sherloc (09022015). Collection method: clinical testing. Allele origin: germline.
Comment: This sequence change replaces arginine, which is basic and polar, with glutamine, which is neutral and polar, at codon 644 of the SMARCAL1 protein (p.Arg644Gln). This variant is present in population databases (rs140515579, gnomAD 0.007%). This missense change has been observed in individual(s) with Schimke immunoosseous dysplasia (PMID: 28796785, 31039288). In at least one individual the data is consistent with being in trans (on the opposite chromosome) from a pathogenic variant. ClinVar contains an entry for this variant (Variation ID: 1457631). Advanced modeling of protein sequence and biophysical properties (such as structural, functional, and spatial information, amino acid conservation, physicochemical variation, residue mobility, and thermodynamic stability) performed at Invitae indicates that this missense variant is expected to disrupt SMARCAL1 protein function with a positive predictive value of 80%. This variant disrupts the p.Arg644 amino acid residue in SMARCAL1. Other variant(s) that disrupt this residue have been determined to be pathogenic (PMID: 11799392, 18805831). This suggests that this residue is clinically significant, and that variants that disrupt this residue are likely to be disease-causing. For these reasons, this variant has been classified as Pathogenic.

Literature cited by the submitters: PubMed 28796785 (cited by Natera, Inc. and Labcorp Genetics (formerly Invitae), Labcorp); PubMed 31039288 (cited by Natera, Inc. and Labcorp Genetics (formerly Invitae), Labcorp); PubMed 11799392 (cited by Labcorp Genetics (formerly Invitae), Labcorp); PubMed 18805831 (cited by Labcorp Genetics (formerly Invitae), Labcorp).